The following is an entry in ClinVar:

ClinVar aggregate classification (germline): Uncertain significance (1 of 4 stars; one submission).

Conditions:
Neurofibromatosis, type 1 (NF1). Also called: NEUROFIBROMATOSIS, TYPE I, SOMATIC; Neurofibromatosis, type I; VON RECKLINGHAUSEN DISEASE; Peripheral type neurofibromatosis. Identifiers: Orphanet 636, MedGen C0027831, MONDO:0018975, OMIM 162200. Disease mechanism: loss of function.

Allele frequency attached by ClinVar (database versions not stated): gnomAD 0.00001; gnomAD exomes below 0.00001; TOPMed below 0.00001; ExAC 0.00001.
gnomAD v4.1: 4 of 1,614,044 alleles (0.00025%); highest among the groups gnomAD compares: South Asian, 0.0033%; no homozygotes.

Submission:

Labcorp Genetics (formerly Invitae), Labcorp
Classification: Uncertain significance for Neurofibromatosis, type 1. Last evaluated: 2020-09-17. Review status: criteria provided, single submitter. Criteria: Invitae Variant Classification Sherloc (09022015). Collection method: clinical testing. Allele origin: germline.
Comment: In summary, the available evidence is currently insufficient to determine the role of this variant in disease. Therefore, it has been classified as a Variant of Uncertain Significance. Algorithms developed to predict the effect of sequence changes on RNA splicing suggest that this variant may create or strengthen a splice site, but this prediction has not been confirmed by published transcriptional studies. Algorithms developed to predict the effect of missense changes on protein structure and function (SIFT, PolyPhen-2, Align-GVGD) all suggest that this variant is likely to be tolerated, but these predictions have not been confirmed by published functional studies and their clinical significance is uncertain. This variant has not been reported in the literature in individuals with NF1-related conditions. This variant is present in population databases (rs775206529, ExAC 0.006%). This sequence change replaces isoleucine with valine at codon 1284 of the NF1 protein (p.Ile1284Val). The isoleucine residue is moderately conserved and there is a small physicochemical difference between isoleucine and valine.

NM_001042492.3(NF1):c.3850A>G (p.Ile1284Val)

Gene: NF1 (neurofibromin 1; plus strand). Cytogenetic location: 17q11.2.
Variant type: single nucleotide variant.
Coding change: c.3850A>G on transcript NM_001042492.3 (MANE Select); coding-DNA position 3850, A replaced by G.
Protein change: p.Ile1284Val; replaces isoleucine 1284 with valine.
Molecular consequence: missense variant.
Genome position (GRCh38, 1-based): chr17:31,235,752, A>G. VCF-style: chr17-31235752-A-G. GRCh37 (hg19) VCF-style: chr17-29562770-A-G.
Other names: c.3850A>G, p.Ile1284Val (NM_000267.4); short protein forms I1284V.
Identifiers: ClinVar variation 1060870 (VCV001060870.5), dbSNP rs775206529, ClinGen allele CA8486239.